The following is an entry in ClinVar:

NM_006496.4(GNAI3):c.514C>G (p.Gln172Glu)

Gene: GNAI3 (G protein subunit alpha i3; plus strand). Cytogenetic location: 1p13.3.
Variant type: single nucleotide variant.
Coding change: c.514C>G on transcript NM_006496.4 (MANE Select); coding-DNA position 514, C replaced by G.
Protein change: p.Gln172Glu; replaces glutamine 172 with glutamic acid.
Molecular consequence: missense variant.
Genome position (GRCh38, 1-based): chr1:109,582,489, C>G. VCF-style: chr1-109582489-C-G. GRCh37 (hg19) VCF-style: chr1-110125111-C-G.
Other names: short protein forms Q172E.
Identifiers: ClinVar variation 4994611 (VCV004994611.1).

ClinVar aggregate classification (germline): Uncertain significance (1 of 4 stars; one submission).

Conditions:
GNAI3-related disorder. Also called: GNAI3-related condition.

gnomAD v4.1: 2 of 1,595,446 alleles (0.00013%); highest among the groups gnomAD compares: Non-Finnish European, 0.00017%; no homozygotes.

Submission:

PreventionGenetics, part of Exact Sciences
Classification: Uncertain significance for GNAI3-related condition. Last evaluated: 2026-05-18. Review status: criteria provided, single submitter. Criteria: ACMG Guidelines, 2015. Collection method: clinical testing. Allele origin: germline.
Comment: The GNAI3 c.514C>G variant is predicted to result in the amino acid substitution p.Gln172Glu. To our knowledge, this variant has not been reported in the literature or in a large population database (gnomAD), indicating this variant is rare. At this time, the clinical significance of this variant is uncertain due to the absence of conclusive functional and genetic evidence.